The following is an entry in ClinVar:

ClinVar aggregate classification (germline): Uncertain significance (1 of 4 stars; one submission).

Submission:

GeneDx
Classification: Uncertain significance. Last evaluated: 2024-12-13. Review status: criteria provided, single submitter. Criteria: GeneDx Variant Classification Process June 2021. Collection method: clinical testing. Allele origin: germline. Affected: yes.
Comment: Not observed at significant frequency in large population cohorts (gnomAD); Missense variant in a gene in which most reported pathogenic variants are truncating/loss of function; Has not been previously published as pathogenic or benign to our knowledge

NM_001267550.2(TTN):c.99694C>T (p.His33232Tyr)

Genes: TTN (titin; minus strand), TTN-AS1 (TTN antisense RNA 1; plus strand), LOC126806420 (BRD4-independent group 4 enhancer GRCh37_chr2:179401104-179402303; plus strand). Cytogenetic location: 2q31.2.
Variant type: single nucleotide variant.
Coding change: c.99694C>T on transcript NM_001267550.2 (MANE Select); coding-DNA position 99694, C replaced by T.
Protein change: p.His33232Tyr; replaces histidine 33232 with tyrosine.
Molecular consequence: missense variant. On other transcripts: non-coding transcript variant (1).
Genome position (GRCh38, 1-based): chr2:178,537,513, G>A on the plus strand (C>T on the coding strand, the complement: TTN is on the minus strand). VCF-style: chr2-178537513-G-A. GRCh37 (hg19) VCF-style: chr2-179402240-G-A.
Other names: c.94771C>T, p.His31591Tyr (NM_001256850.1); c.72499C>T, p.His24167Tyr (NM_003319.4); c.91990C>T, p.His30664Tyr (NM_133378.4); c.72874C>T, p.His24292Tyr (NM_133432.3); c.73075C>T, p.His24359Tyr (NM_133437.4); short protein forms H24167Y, H24292Y, H24359Y, H30664Y, H31591Y, H33232Y.
Identifiers: ClinVar variation 3902904 (VCV003902904.1).